The following is an entry in ClinVar:

ClinVar aggregate classification (germline): Pathogenic (1 of 4 stars; one submission).

Submission:

Labcorp Genetics (formerly Invitae), Labcorp
Classification: Pathogenic. Last evaluated: 2025-11-24. Review status: criteria provided, single submitter. Criteria: Invitae Variant Classification Sherloc (09022015). Collection method: clinical testing. Allele origin: germline.
Comment: This sequence change creates a premature translational stop signal (p.Ala3844Glyfs*19) in the LRP2 gene. It is expected to result in an absent or disrupted protein product. Loss-of-function variants in LRP2 are known to be pathogenic (PMID: 17632512, 25682901). This variant is not present in population databases (gnomAD no frequency). This variant has not been reported in the literature in individuals affected with LRP2-related conditions. ClinVar contains an entry for this variant (Variation ID: 1071842). For these reasons, this variant has been classified as Pathogenic.

Literature cited by the submitters: PubMed 17632512; PubMed 25682901.

NM_004525.3(LRP2):c.11530dup (p.Ala3844fs)

Gene: LRP2 (LDL receptor related protein 2; minus strand). Cytogenetic location: 2q31.1.
Variant type: Duplication.
Coding change: c.11530dup on transcript NM_004525.3 (MANE Select); coding-DNA position 11530, one base duplicated (G; older notation c.11530dupG).
Protein change: p.Ala3844fs; shifts the reading frame from alanine 3844.
Molecular consequence: frameshift variant.
Genome position (GRCh38, 1-based): chr2:169,168,644, C duplicated on the plus strand (G on the coding strand, the reverse complement: LRP2 is on the minus strand); the first of 2 consecutive C bases (chr2:169,168,644-169,168,645); duplicating either gives the same sequence. VCF-style (leftmost placement, unchanged base first): chr2-169168643-G-GC. GRCh37 (hg19) VCF-style: chr2-170025153-G-GC.
Other names: short protein forms A3844fs.
Identifiers: ClinVar variation 1071842 (VCV001071842.7), dbSNP rs2105272332, ClinGen allele CA2499215242.